The following is an entry in ClinVar:

ClinVar aggregate classification (germline): Uncertain significance. Review status: criteria provided, multiple submitters, no conflicts (2 of 4 stars). 2 submissions from 2 submitters: Uncertain significance (2). Last evaluated 2025-07-08.

Conditions:
Hereditary cancer-predisposing syndrome. Also called: Tumor predisposition; Hereditary neoplastic syndrome; Hereditary Cancer Syndrome; Neoplastic Syndromes, Hereditary. Identifiers: Orphanet 140162, MedGen C0027672, MeSH D009386, MONDO:0015356.

Submissions (2):

Labcorp Genetics (formerly Invitae), Labcorp
Classification: Uncertain significance. Last evaluated: 2025-07-08. Review status: criteria provided, single submitter. Criteria: Invitae Variant Classification Sherloc (09022015). Collection method: clinical testing. Allele origin: germline.
Comment: This sequence change falls in intron 10 of the CTNNA1 gene. It does not directly change the encoded amino acid sequence of the CTNNA1 protein. It affects a nucleotide within the consensus splice site. This variant is not present in population databases (gnomAD no frequency). This variant has not been reported in the literature in individuals affected with CTNNA1-related conditions. ClinVar contains an entry for this variant (Variation ID: 964693). Variants that disrupt the consensus splice site are a relatively common cause of aberrant splicing (PMID: 17576681, 9536098). Algorithms developed to predict the effect of sequence changes on RNA splicing suggest that this variant is not likely to affect RNA splicing. In summary, the available evidence is currently insufficient to determine the role of this variant in disease. Therefore, it has been classified as a Variant of Uncertain Significance.

Ambry Genetics
Classification: Uncertain significance for Hereditary cancer-predisposing syndrome. Last evaluated: 2024-02-16. Review status: criteria provided, single submitter. Criteria: Ambry Variant Classification Scheme 2023. Collection method: clinical testing. Allele origin: germline.
Comment: The c.1389+3A>G intronic variant results from an A to G substitution 3 nucleotides after coding exon 9 in the CTNNA1 gene. This nucleotide position is well conserved in available vertebrate species. In silico splice site analysis for this alteration is inconclusive. The evidence for this gene-disease relationship is limited; therefore, the clinical significance of this alteration is unclear.

Literature cited by the submitters: PubMed 17576681 (cited by Labcorp Genetics (formerly Invitae), Labcorp); PubMed 9536098 (cited by Labcorp Genetics (formerly Invitae), Labcorp).

NM_001903.5(CTNNA1):c.1389+3A>G

Gene: CTNNA1 (catenin alpha 1; plus strand). Cytogenetic location: 5q31.2.
Variant type: single nucleotide variant.
Coding change: c.1389+3A>G on transcript NM_001903.5 (MANE Select); 3 bases into the intron after coding-DNA position 1389, A replaced by G.
Molecular consequence: intron variant.
Genome position (GRCh38, 1-based): chr5:138,904,444, A>G. VCF-style: chr5-138904444-A-G. GRCh37 (hg19) VCF-style: chr5-138240133-A-G.
Other names: c.1389+3A>G (NM_001903.2, NM_001323982.2, NM_001323984.2 and 3 more transcripts); c.1297-13298A>G (NM_001323986.2); c.1020+3A>G (NM_001290310.3); c.1080+3A>G (NM_001290309.3); c.279+3A>G (NM_001323996.1, NM_001323993.1, NM_001324005.1 and 17 more transcripts); c.-119+3A>G (NM_001324007.1, NM_001324009.1, NM_001324006.1 and 1 more transcripts); c.36+3A>G (NM_001324013.1, NM_001324012.1); c.187-13298A>G (NM_001324011.1); and 1 more.
Identifiers: ClinVar variation 964693 (VCV000964693.8), dbSNP rs1758727868, ClinGen allele CA1139659088.